The following is an entry in ClinVar:

NM_144628.4(TBC1D20):c.338-8G>C

Gene: TBC1D20 (TBC1 domain family member 20; minus strand). Cytogenetic location: 20p13.
Variant type: single nucleotide variant.
Coding change: c.338-8G>C on transcript NM_144628.4 (MANE Select); 8 bases into the intron before coding-DNA position 338, G replaced by C.
Molecular consequence: intron variant.
Genome position (GRCh38, 1-based): chr20:442,051, C>G on the plus strand (G>C on the coding strand, the complement: TBC1D20 is on the minus strand). VCF-style: chr20-442051-C-G. GRCh37 (hg19) VCF-style: chr20-422695-C-G.
Identifiers: ClinVar variation 3042557 (VCV003042557.2), dbSNP rs2514581491, ClinGen allele CA2577356394.
Genomic context (GRCh38, chr20:442,051, plus strand): 5'-GATGATGTCAATCAGTTCTTCCTGGAGCCCTTCTCTCTGTTCCTCTGGCATGCCTGGGGA[C>G]AGGAACAGAGATGCCTTTGAACATACCAAGCAGCCTAGTTAACAAGGAGGTCGAAGAAGG-3'

ClinVar aggregate classification (germline): Likely benign (0 of 4 stars; one submission).

Conditions:
TBC1D20-related disorder. Also called: TBC1D20-related condition.

Submission:

PreventionGenetics, part of Exact Sciences
Classification: Likely benign for TBC1D20-related condition. Last evaluated: 2019-06-21. Review status: no assertion criteria provided. Collection method: clinical testing. Allele origin: germline.
Comment: This variant is classified as likely benign based on ACMG/AMP sequence variant interpretation guidelines (Richards et al. 2015 PMID: 25741868, with internal and published modifications).